The following is an entry in ClinVar:

ClinVar aggregate classification (germline): Conflicting classifications of pathogenicity. Review status: criteria provided, conflicting classifications (1 of 4 stars). 3 submissions from 3 submitters: Pathogenic (1); Uncertain significance (2). Last evaluated 2022-05-03.

Conditions:
Leber congenital amaurosis 1 (LCA1). Also called: Congenital absence of the rods and cones; Leber's congenital tapetoretinal degeneration; Leber's congenital tapetoretinal dysplasia; RETINAL BLINDNESS, CONGENITAL; AMAUROSIS CONGENITA OF LEBER I. Identifiers: Orphanet 65, MedGen C2931258, MONDO:0008764, OMIM 204000.
RPGRIP1-related disorder. Also called: RPGRIP1-related condition.
Cone-rod dystrophy 13 (CORD13). Identifiers: Orphanet 1872, MedGen C2750720, MONDO:0011987, OMIM 608194.
Leber congenital amaurosis 6 (LCA6). Identifiers: Orphanet 65, MedGen C1854260, MONDO:0013446, OMIM 613826.

Allele frequency attached by ClinVar (database versions not stated): gnomAD exomes below 0.00001; TOPMed below 0.00001; gnomAD 0.00001.
gnomAD v4.1: 4 of 1,613,824 alleles (0.00025%); highest among the groups gnomAD compares: Non-Finnish European, 0.00034%; no homozygotes.

Submissions (3):

Labcorp Genetics (formerly Invitae), Labcorp
Classification: Uncertain significance for Leber congenital amaurosis 6; Cone-rod dystrophy 13. Last evaluated: 2022-05-03. Review status: criteria provided, single submitter. Criteria: Invitae Variant Classification Sherloc (09022015). Collection method: clinical testing. Allele origin: germline.
Comment: In summary, the available evidence is currently insufficient to determine the role of this variant in disease. Therefore, it has been classified as a Variant of Uncertain Significance. Algorithms developed to predict the effect of missense changes on protein structure and function are either unavailable or do not agree on the potential impact of this missense change (SIFT: "Tolerated"; PolyPhen-2: "Probably Damaging"; Align-GVGD: "Class C0"). ClinVar contains an entry for this variant (Variation ID: 803003). This missense change has been observed in individuals with Leber congenital amaurosis (PMID: 32865313). This variant is present in population databases (no rsID available, gnomAD 0.0009%). This sequence change replaces glycine, which is neutral and non-polar, with glutamic acid, which is acidic and polar, at codon 671 of the RPGRIP1 protein (p.Gly671Glu).

Blueprint Genetics
Classification: Pathogenic for RPGRIP1-related disorders. Last evaluated: 2020-09-03. Review status: criteria provided, single submitter. Criteria: ACMG Guidelines, 2015. Collection method: clinical testing. Allele origin: germline. Affected: yes. Observed: 2 variant alleles.

Mendelics
Classification: Uncertain significance for Leber congenital amaurosis 1. Last evaluated: 2019-05-28. Review status: criteria provided, single submitter. Criteria: Mendelics Assertion Criteria 2017. Collection method: clinical testing. Allele origin: unknown.

Literature cited by the submitters: PubMed 32865313 (cited by Labcorp Genetics (formerly Invitae), Labcorp).

NM_020366.4(RPGRIP1):c.2012G>A (p.Gly671Glu)

Gene: RPGRIP1 (RPGR interacting protein 1; plus strand). Cytogenetic location: 14q11.2.
Variant type: single nucleotide variant.
Coding change: c.2012G>A on transcript NM_020366.4 (MANE Select); coding-DNA position 2012, G replaced by A.
Protein change: p.Gly671Glu; replaces glycine 671 with glutamic acid.
Molecular consequence: missense variant. On other transcripts: intron variant (4).
Genome position (GRCh38, 1-based): chr14:21,324,867, G>A. VCF-style: chr14-21324867-G-A. GRCh37 (hg19) VCF-style: chr14-21793026-G-A.
Other names: c.938G>A, p.Gly313Glu (NM_001377948.1); c.796+142G>A (NM_001377949.1); c.689-2756G>A (NM_001377523.1, NM_001377950.1); c.191-2756G>A (NM_001377951.1); short protein forms G671E, G313E.
Identifiers: ClinVar variation 803003 (VCV000803003.7), dbSNP rs1348186141, ClinGen allele CA388867574.